The following is an entry in ClinVar:

NM_000540.3(RYR1):c.12500A>G (p.Glu4167Gly)

Gene: RYR1 (ryanodine receptor 1; plus strand). Cytogenetic location: 19q13.2.
Variant type: single nucleotide variant.
Coding change: c.12500A>G on transcript NM_000540.3 (MANE Select); coding-DNA position 12500, A replaced by G.
Protein change: p.Glu4167Gly; replaces glutamic acid 4167 with glycine.
Molecular consequence: missense variant.
Genome position (GRCh38, 1-based): chr19:38,561,330, A>G. VCF-style: chr19-38561330-A-G. GRCh37 (hg19) VCF-style: chr19-39051970-A-G.
Other names: c.12485A>G, p.Glu4162Gly (NM_001042723.2); short protein forms E4162G, E4167G.
Identifiers: ClinVar variation 4751418 (VCV004751418.1).

ClinVar aggregate classification (germline): Uncertain significance (1 of 4 stars; one submission).

Conditions:
RYR1-related disorder. Also called: RYR1-related condition; RYR1-related disorders. Identifiers: MedGen CN239331.

Submission:

Labcorp Genetics (formerly Invitae), Labcorp
Classification: Uncertain significance for RYR1-related disorder. Last evaluated: 2025-08-26. Review status: criteria provided, single submitter. Criteria: Invitae Variant Classification Sherloc (09022015). Collection method: clinical testing. Allele origin: germline.
Comment: This sequence change replaces glutamic acid, which is acidic and polar, with glycine, which is neutral and non-polar, at codon 4167 of the RYR1 protein (p.Glu4167Gly). This variant is not present in population databases (gnomAD no frequency). This variant has not been reported in the literature in individuals affected with RYR1-related conditions. Invitae Evidence Modeling of protein sequence and biophysical properties (such as structural, functional, and spatial information, amino acid conservation, physicochemical variation, residue mobility, and thermodynamic stability) indicates that this missense variant is not expected to disrupt RYR1 protein function with a negative predictive value of 80%. In summary, the available evidence is currently insufficient to determine the role of this variant in disease. Therefore, it has been classified as a Variant of Uncertain Significance.